The following is an entry in ClinVar:

NM_017617.5(NOTCH1):c.1618G>C (p.Gly540Arg)

Gene: NOTCH1 (notch receptor 1; minus strand). Cytogenetic location: 9q34.3.
Variant type: single nucleotide variant.
Coding change: c.1618G>C on transcript NM_017617.5 (MANE Select); coding-DNA position 1618, G replaced by C.
Protein change: p.Gly540Arg; replaces glycine 540 with arginine.
Molecular consequence: missense variant.
Genome position (GRCh38, 1-based): chr9:136,516,032, C>G on the plus strand (G>C on the coding strand, the complement: NOTCH1 is on the minus strand). VCF-style: chr9-136516032-C-G. GRCh37 (hg19) VCF-style: chr9-139410484-C-G.
Other names: short protein forms G540R.
Identifiers: ClinVar variation 2851473 (VCV002851473.3), dbSNP rs1006356840, ClinGen allele CA201587147.

ClinVar aggregate classification (germline): Uncertain significance (1 of 4 stars; one submission).

Conditions:
Adams-Oliver syndrome 5 (AOS5). Identifiers: Orphanet 974, MedGen C4014970, MONDO:0014459, OMIM 616028.

Allele frequency attached by ClinVar (database versions not stated): gnomAD exomes below 0.00001; gnomAD 0.00001; TOPMed 0.00001.
gnomAD v4.1: 2 of 1,612,186 alleles (0.00012%); highest among the groups gnomAD compares: African/African-American, 0.0027%; no homozygotes.

Submission:

Labcorp Genetics (formerly Invitae), Labcorp
Classification: Uncertain significance for Adams-Oliver syndrome 5. Last evaluated: 2023-02-28. Review status: criteria provided, single submitter. Criteria: Invitae Variant Classification Sherloc (09022015). Collection method: clinical testing. Allele origin: germline.
Comment: In summary, the available evidence is currently insufficient to determine the role of this variant in disease. Therefore, it has been classified as a Variant of Uncertain Significance. An algorithm developed to predict the effect of missense changes on protein structure and function (PolyPhen-2) suggests that this variant is likely to be disruptive. This variant has not been reported in the literature in individuals affected with NOTCH1-related conditions. This variant is not present in population databases (gnomAD no frequency). This sequence change replaces glycine, which is neutral and non-polar, with arginine, which is basic and polar, at codon 540 of the NOTCH1 protein (p.Gly540Arg).